The following is an entry in ClinVar:

NM_000203.5(IDUA):c.543_544inv (p.Glu182Lys)

Gene: IDUA (alpha-L-iduronidase; plus strand). Cytogenetic location: 4p16.3.
Variant type: Inversion.
Coding change: c.543_544inv on transcript NM_000203.5 (MANE Select).
Protein change: p.Glu182Lys; replaces glutamic acid 182 with lysine.
Molecular consequence: missense variant. On other transcripts: non-coding transcript variant (1).
Genome position: GRCh38 VCF-style: chr4-1001517-TG-CA. GRCh37 (hg19) VCF-style: chr4-995305-TG-CA.
Other names: c.147_148inv, p.Glu50Lys (NM_001363576.1); short protein forms E182K, E50K.
Identifiers: ClinVar variation 2856554 (VCV002856554.3), ClinGen allele CA2739269988.

ClinVar aggregate classification (germline): Likely pathogenic (1 of 4 stars; one submission).

Conditions:
Mucopolysaccharidosis type 1. Also called: IDUA deficiency; MPS I; Mucopolysaccharidosis Type I. Identifiers: Orphanet 579, MedGen C0023786, MONDO:0001586.

Submission:

Labcorp Genetics (formerly Invitae), Labcorp
Classification: Likely pathogenic for Mucopolysaccharidosis type 1. Last evaluated: 2023-04-15. Review status: criteria provided, single submitter. Criteria: Invitae Variant Classification Sherloc (09022015). Collection method: clinical testing. Allele origin: germline.
Comment: Information on the frequency of this variant in the gnomAD database is not available, as this variant may be reported differently in the database. In summary, the currently available evidence indicates that the variant is pathogenic, but additional data are needed to prove that conclusively. Therefore, this variant has been classified as Likely Pathogenic. A different variant (c.544G>A) giving rise to the same protein effect has been determined to be pathogenic (PMID: 11555618, 24368159, 33198351). This suggests that this variant is also likely to be causative of disease. This sequence change replaces glutamic acid, which is acidic and polar, with lysine, which is basic and polar, at codon 182 of the IDUA protein (p.Glu182Lys).

Literature cited by the submitters: PubMed 11555618; PubMed 24368159; PubMed 33198351.